The following is an entry in ClinVar:

ClinVar aggregate classification (germline): Conflicting classifications of pathogenicity. Review status: criteria provided, conflicting classifications (1 of 4 stars). 2 submissions from 2 submitters: Likely pathogenic (1); Uncertain significance (1). Last evaluated 2024-12-17.

Conditions:
MCM3AP-related disorder. Also called: MCM3AP-related condition.

Allele frequency attached by ClinVar (database versions not stated): gnomAD exomes 0.00002 and 0.00004; ExAC 0.00007.
gnomAD v4.1: 21 of 1,612,402 alleles (0.0013%); highest among the groups gnomAD compares: East Asian, 0.0022%; no homozygotes.

Submissions (2):

Labcorp Genetics (formerly Invitae), Labcorp
Classification: Uncertain significance. Last evaluated: 2024-12-17. Review status: criteria provided, single submitter. Criteria: Invitae Variant Classification Sherloc (09022015). Collection method: clinical testing. Allele origin: germline.
Comment: This sequence change replaces serine, which is neutral and polar, with leucine, which is neutral and non-polar, at codon 951 of the MCM3AP protein (p.Ser951Leu). This variant is present in population databases (rs764015154, gnomAD 0.008%). This variant has not been reported in the literature in individuals affected with MCM3AP-related conditions. ClinVar contains an entry for this variant (Variation ID: 1425358). An algorithm developed to predict the effect of missense changes on protein structure and function (PolyPhen-2) suggests that this variant is likely to be disruptive. In summary, the available evidence is currently insufficient to determine the role of this variant in disease. Therefore, it has been classified as a Variant of Uncertain Significance.

Blueprint Genetics
Classification: Likely pathogenic for MCM3AP-related disorders. Last evaluated: 2023-12-01. Review status: criteria provided, single submitter. Criteria: ACMG Guidelines, 2015. Collection method: clinical testing. Allele origin: germline. Affected: yes. Observed: 4 variant alleles.

NM_003906.5(MCM3AP):c.2852C>T (p.Ser951Leu)

Gene: MCM3AP (minichromosome maintenance complex component 3 associated protein; minus strand). Cytogenetic location: 21q22.3.
Variant type: single nucleotide variant.
Coding change: c.2852C>T on transcript NM_003906.5 (MANE Select); coding-DNA position 2852, C replaced by T.
Protein change: p.Ser951Leu; replaces serine 951 with leucine.
Molecular consequence: missense variant.
Genome position (GRCh38, 1-based): chr21:46,266,104, G>A on the plus strand (C>T on the coding strand, the complement: MCM3AP is on the minus strand). VCF-style: chr21-46266104-G-A. GRCh37 (hg19) VCF-style: chr21-47686018-G-A.
Other names: short protein forms S951L.
Identifiers: ClinVar variation 1425358 (VCV001425358.6), dbSNP rs764015154, ClinGen allele CA10076708.
Genomic context (GRCh38, chr21:46,266,104, plus strand): 5'-AATGGCCCTCCGTTCACAATTTCCCCGACTGACACCGTCAGCTTCCTAGTAATAAACACC[G>A]ACTTCCTGGTCTTGGATAATCCCTCTGGTTCCAGGAATGCAGACCGGTTCAGCTCCACAC-3'
Protein context (NP_003897.2, residues 941-961): EPEGLSKTRK[Ser951Leu]VFITRKLTVS